The following is an entry in ClinVar:

NM_002335.4(LRP5):c.655A>G (p.Ile219Val)

Gene: LRP5 (LDL receptor related protein 5; plus strand). Cytogenetic location: 11q13.2.
Variant type: single nucleotide variant.
Coding change: c.655A>G on transcript NM_002335.4 (MANE Select); coding-DNA position 655, A replaced by G.
Protein change: p.Ile219Val; replaces isoleucine 219 with valine.
Molecular consequence: missense variant. On other transcripts: 5 prime UTR variant (1).
Genome position (GRCh38, 1-based): chr11:68,357,816, A>G. VCF-style: chr11-68357816-A-G. GRCh37 (hg19) VCF-style: chr11-68125284-A-G.
Other names: c.-1111A>G (NM_001291902.2); short protein forms I219V.
Identifiers: ClinVar variation 3685006 (VCV003685006.3).
Genomic context (GRCh38, chr11:68,357,816, plus strand): 5'-GGACTGACCATCGACCTGGAGGAGCAGAAGCTCTACTGGGCTGACGCCAAGCTCAGCTTC[A>G]TCCACCGTGCCAACCTGGACGGCTCGTTCCGGTAGGTACCCACGCAGTCCTGGGGCACCC-3'
Protein context (NP_002326.2, residues 209-229): LYWADAKLSF[Ile219Val]HRANLDGSFR

ClinVar aggregate classification (germline): Uncertain significance. Review status: criteria provided, multiple submitters, no conflicts (2 of 4 stars). 2 submissions from 2 submitters: Uncertain significance (2). Last evaluated 2024-09-30.

gnomAD v4.1: 1 of 1,613,702 alleles (0.000062%); highest among the groups gnomAD compares: Non-Finnish European, 0.000085%; no homozygotes.

Submissions (2):

Labcorp Genetics (formerly Invitae), Labcorp
Classification: Uncertain significance. Last evaluated: 2024-09-30. Review status: criteria provided, single submitter. Criteria: Invitae Variant Classification Sherloc (09022015). Collection method: clinical testing. Allele origin: germline.
Comment: This sequence change replaces isoleucine, which is neutral and non-polar, with valine, which is neutral and non-polar, at codon 219 of the LRP5 protein (p.Ile219Val). This variant is not present in population databases (gnomAD no frequency). This variant has not been reported in the literature in individuals affected with LRP5-related conditions. Invitae Evidence Modeling of protein sequence and biophysical properties (such as structural, functional, and spatial information, amino acid conservation, physicochemical variation, residue mobility, and thermodynamic stability) indicates that this missense variant is expected to disrupt LRP5 protein function with a positive predictive value of 95%. In summary, the available evidence is currently insufficient to determine the role of this variant in disease. Therefore, it has been classified as a Variant of Uncertain Significance.

Blueprint Genetics
Classification: Uncertain significance. Last evaluated: 2020-05-20. Review status: criteria provided, single submitter. Criteria: ACMG Guidelines, 2015. Collection method: clinical testing. Allele origin: germline.